The following is an entry in ClinVar:

NM_019098.5(CNGB3):c.1805A>T (p.Asn602Ile)

Gene: CNGB3 (cyclic nucleotide gated channel subunit beta 3; minus strand). Cytogenetic location: 8q21.3.
Variant type: single nucleotide variant.
Coding change: c.1805A>T on transcript NM_019098.5 (MANE Select); coding-DNA position 1805, A replaced by T.
Protein change: p.Asn602Ile; replaces asparagine 602 with isoleucine.
Molecular consequence: missense variant.
Genome position (GRCh38, 1-based): chr8:86,579,229, T>A on the plus strand (A>T on the coding strand, the complement: CNGB3 is on the minus strand). VCF-style: chr8-86579229-T-A. GRCh37 (hg19) VCF-style: chr8-87591457-T-A.
Other names: short protein forms N602I.
Identifiers: ClinVar variation 953843 (VCV000953843.7), dbSNP rs1821716014, ClinGen allele CA371448003.

ClinVar aggregate classification (germline): Uncertain significance (1 of 4 stars; one submission).

Allele frequency attached by ClinVar (database versions not stated): gnomAD 0.00001; TOPMed 0.00001.
gnomAD v4.1: 1 of 1,613,964 alleles (0.000062%); highest among the groups gnomAD compares: Admixed American, 0.0017%; no homozygotes.

Submission:

Labcorp Genetics (formerly Invitae), Labcorp
Classification: Uncertain significance. Last evaluated: 2022-03-04. Review status: criteria provided, single submitter. Criteria: Invitae Variant Classification Sherloc (09022015). Collection method: clinical testing. Allele origin: germline.
Comment: This sequence change replaces asparagine, which is neutral and polar, with isoleucine, which is neutral and non-polar, at codon 602 of the CNGB3 protein (p.Asn602Ile). This variant is not present in population databases (gnomAD no frequency). This variant has not been reported in the literature in individuals affected with CNGB3-related conditions. ClinVar contains an entry for this variant (Variation ID: 953843). Advanced modeling of protein sequence and biophysical properties (such as structural, functional, and spatial information, amino acid conservation, physicochemical variation, residue mobility, and thermodynamic stability) performed at Invitae indicates that this missense variant is expected to disrupt CNGB3 protein function. In summary, the available evidence is currently insufficient to determine the role of this variant in disease. Therefore, it has been classified as a Variant of Uncertain Significance.